The following is an entry in ClinVar:

NM_005522.5(HOXA1):c.566A>C (p.Glu189Ala)

Gene: HOXA1 (homeobox A1; minus strand). Cytogenetic location: 7p15.2.
Variant type: single nucleotide variant.
Coding change: c.566A>C on transcript NM_005522.5 (MANE Select); coding-DNA position 566, A replaced by C.
Protein change: p.Glu189Ala; replaces glutamic acid 189 with alanine.
Molecular consequence: missense variant.
Genome position (GRCh38, 1-based): chr7:27,095,347, T>G on the plus strand (A>C on the coding strand, the complement: HOXA1 is on the minus strand). VCF-style: chr7-27095347-T-G. GRCh37 (hg19) VCF-style: chr7-27134966-T-G.
Other names: c.363A>C, p.Arg121Ser (NM_153620.3); short protein forms E189A, R121S.
Identifiers: ClinVar variation 359958 (VCV000359958.35), dbSNP rs17500494, ClinGen allele CA4195916.

ClinVar aggregate classification (germline): Benign/Likely benign. Review status: criteria provided, multiple submitters, no conflicts (2 of 4 stars). 4 submissions from 4 submitters: Benign (1); Likely benign (2). 1 of the submissions does not count toward it. Last evaluated 2026-03-01.

Conditions:
Inborn genetic diseases. Identifiers: MedGen C0950123, MeSH D030342.
Intellectual disability. Also called: Intellectual functioning disability; Intellectual developmental disorder; intellectual disabilities. Identifiers: MedGen C3714756, MeSH D008607, MONDO:0001071, HP:0001249.

Allele frequency attached by ClinVar (database versions not stated): gnomAD exomes 0.00032 and 0.00087; ExAC 0.00103; ESP Exome Variant Server 0.00254; gnomAD 0.00315 and 0.00340; TOPMed 0.00356; 1000 Genomes Project 0.00399; 1000 Genomes Project 30x 0.00484.
gnomAD v4.1: 971 of 1,613,906 alleles (0.06%); highest among the groups gnomAD compares: African/African-American, 1.1%; 8 homozygotes.

Submissions (4):

CeGaT Center for Human Genetics Tuebingen
Classification: Likely benign. Last evaluated: 2026-03-01. Review status: criteria provided, single submitter. Criteria: CeGaT Center For Human Genetics Tuebingen Variant Classification Criteria Version 2. Collection method: clinical testing. Allele origin: germline. Affected: yes. Observed: 2 variant alleles.
Comment: HOXA1: BS1

Labcorp Genetics (formerly Invitae), Labcorp
Classification: Benign. Last evaluated: 2019-12-31. Review status: criteria provided, single submitter. Criteria: Invitae Variant Classification Sherloc (09022015). Collection method: clinical testing. Allele origin: germline.

Ambry Genetics
Classification: Likely benign for Inborn genetic diseases. Last evaluated: 2018-06-21. Review status: criteria provided, single submitter. Criteria: Ambry Variant Classification Scheme 2023. Collection method: clinical testing. Allele origin: germline.

Centre de Biologie Pathologie Génétique, Centre Hospitalier Universitaire de Lille
Classification: Uncertain significance for Intellectual disability. Last evaluated: 2019-01-01. Review status: no assertion criteria provided. Collection method: clinical testing. Allele origin: unknown. Affected: yes. Not counted in ClinVar's aggregate classification.